The following is an entry in ClinVar:

ClinVar aggregate classification (germline): Uncertain significance. Review status: criteria provided, multiple submitters, no conflicts (2 of 4 stars). 2 submissions from 2 submitters: Uncertain significance (2). Last evaluated 2025-08-09.

Conditions:
Inborn genetic diseases. Identifiers: MedGen C0950123, MeSH D030342.
Kabuki syndrome 2 (KABUK2). Also called: KDM6A-Related Kabuki Syndrome. Identifiers: Orphanet 2322, MedGen C3275495, MONDO:0010465, OMIM 300867.

Allele frequency attached by ClinVar (database versions not stated): ExAC 0.00001.
gnomAD v4.1: 4 of 1,208,571 alleles (0.00033%); highest among the groups gnomAD compares: South Asian, 0.0018%; no homozygotes.

Submissions (2):

Ambry Genetics
Classification: Uncertain significance for Inborn genetic diseases. Last evaluated: 2025-08-09. Review status: criteria provided, single submitter. Criteria: Ambry Variant Classification Scheme 2023. Collection method: clinical testing. Allele origin: germline.

Labcorp Genetics (formerly Invitae), Labcorp
Classification: Uncertain significance for Kabuki syndrome 2. Last evaluated: 2025-07-23. Review status: criteria provided, single submitter. Criteria: Invitae Variant Classification Sherloc (09022015). Collection method: clinical testing. Allele origin: germline.
Comment: This sequence change replaces threonine, which is neutral and polar, with asparagine, which is neutral and polar, at codon 387 of the KDM6A protein (p.Thr387Asn). This variant is present in population databases (rs780021220, gnomAD 0.001%), including at least one homozygous and/or hemizygous individual. This variant has not been reported in the literature in individuals affected with KDM6A-related conditions. ClinVar contains an entry for this variant (Variation ID: 2878811). Invitae Evidence Modeling of protein sequence and biophysical properties (such as structural, functional, and spatial information, amino acid conservation, physicochemical variation, residue mobility, and thermodynamic stability) indicates that this missense variant is not expected to disrupt KDM6A protein function with a negative predictive value of 80%. In summary, the available evidence is currently insufficient to determine the role of this variant in disease. Therefore, it has been classified as a Variant of Uncertain Significance.

NM_001291415.2(KDM6A):c.1160C>A (p.Thr387Asn)

Gene: KDM6A (lysine demethylase 6A; plus strand). Cytogenetic location: Xp11.3.
Variant type: single nucleotide variant.
Coding change: c.1160C>A on transcript NM_001291415.2 (MANE Select); coding-DNA position 1160, C replaced by A.
Protein change: p.Thr387Asn; replaces threonine 387 with asparagine.
Molecular consequence: missense variant. On other transcripts: non-coding transcript variant (1).
Genome position (GRCh38, 1-based): chrX:45,059,432, C>A. VCF-style: chrX-45059432-C-A. GRCh37 (hg19) VCF-style: chrX-44918677-C-A.
Other names: c.1160C>A (NM_021140.2); c.1160C>A, p.Thr387Asn (NM_001291416.2, NM_001291417.2, NM_001291418.2 and 9 more transcripts); c.407C>A, p.Thr136Asn (NM_001291421.2); short protein forms T136N, T387N.
Identifiers: ClinVar variation 2878811 (VCV002878811.4), dbSNP rs780021220, ClinGen allele CA10392320.